The following is an entry in ClinVar:

ClinVar aggregate classification (germline): Uncertain significance (1 of 4 stars; one submission).

Conditions:
Agammaglobulinemia 6, autosomal recessive (AGM6). Also called: AGAMMAGLOBULINEMIA 6; AGAMMAGLOBULINEMIA, AUTOSOMAL RECESSIVE, DUE TO CD79B DEFECT. Identifiers: MedGen C3150207, MONDO:0012987, OMIM 612692.

Allele frequency attached by ClinVar (database versions not stated): gnomAD below 0.00001 and 0.00001; gnomAD exomes 0.00002 and 0.00004; TOPMed 0.00002; ExAC 0.00003.
gnomAD v4.1: 31 of 1,614,090 alleles (0.0019%); highest among the groups gnomAD compares: South Asian, 0.034%; no homozygotes.

Submission:

Labcorp Genetics (formerly Invitae), Labcorp
Classification: Uncertain significance for Agammaglobulinemia 6, autosomal recessive. Last evaluated: 2018-06-05. Review status: criteria provided, single submitter. Criteria: Invitae Variant Classification Sherloc (09022015). Collection method: clinical testing. Allele origin: germline.
Comment: This sequence change replaces threonine with isoleucine at codon 108 of the CD79B protein (p.Thr108Ile). The threonine residue is moderately conserved and there is a moderate physicochemical difference between threonine and isoleucine. This variant is present in population databases (rs763307022, ExAC 0.02%). This variant has not been reported in the literature in individuals with CD79B-related disease. Algorithms developed to predict the effect of missense changes on protein structure and function output the following: SIFT: "Tolerated"; PolyPhen-2: "Benign"; Align-GVGD: "Class C0". The isoleucine amino acid residue is found in multiple mammalian species, suggesting that this missense change does not adversely affect protein function. These predictions have not been confirmed by published functional studies and their clinical significance is uncertain. In summary, the available evidence is currently insufficient to determine the role of this variant in disease. Therefore, it has been classified as a Variant of Uncertain Significance.

NM_000626.4(CD79B):c.323C>T (p.Thr108Ile)

Genes: CD79B (CD79b molecule; minus strand), GH-LCR (growth hormone locus control region; plus strand). Cytogenetic location: 17q23.3.
Variant type: single nucleotide variant.
Coding change: c.323C>T on transcript NM_000626.4 (MANE Select); coding-DNA position 323, C replaced by T.
Protein change: p.Thr108Ile; replaces threonine 108 with isoleucine.
Molecular consequence: missense variant. On other transcripts: intron variant (2).
Genome position (GRCh38, 1-based): chr17:63,930,181, G>A on the plus strand (C>T on the coding strand, the complement: CD79B is on the minus strand). VCF-style: chr17-63930181-G-A. GRCh37 (hg19) VCF-style: chr17-62007541-G-A.
Other names: c.326C>T, p.Thr109Ile (NM_001039933.3); c.119-293C>T (NM_021602.4); c.122-293C>T (NM_001329050.2); short protein forms T108I, T109I.
Identifiers: ClinVar variation 565587 (VCV000565587.1), dbSNP rs763307022, ClinGen allele CA8708585.